The following is an entry in ClinVar:

ClinVar aggregate classification (germline): Benign (1 of 4 stars; one submission).

Allele frequency attached by ClinVar (database versions not stated): gnomAD 0.14866 and 0.15049; TOPMed 0.15664; 1000 Genomes Project 30x 0.19613; 1000 Genomes Project 0.19669.
gnomAD v4.1: 22,837 of 152,234 alleles (15%); highest among the groups gnomAD compares: East Asian, 24%; 1,941 homozygotes.

Submission:

GeneDx
Classification: Benign. Last evaluated: 2018-06-18. Review status: criteria provided, single submitter. Criteria: GeneDx Variant Classification (06012015). Collection method: clinical testing. Allele origin: germline. Affected: yes.
Comment: This variant is considered likely benign or benign based on one or more of the following criteria: it is a conservative change, it occurs at a poorly conserved position in the protein, it is predicted to be benign by multiple in silico algorithms, and/or has population frequency not consistent with disease.

NM_001376.5(DYNC1H1):c.8178-223T>C

Gene: DYNC1H1 (dynein cytoplasmic 1 heavy chain 1; plus strand). Cytogenetic location: 14q32.31.
Variant type: single nucleotide variant.
Coding change: c.8178-223T>C on transcript NM_001376.5 (MANE Select); 223 bases into the intron before coding-DNA position 8178, T replaced by C.
Molecular consequence: intron variant.
Genome position (GRCh38, 1-based): chr14:102,018,228, T>C. VCF-style: chr14-102018228-T-C. GRCh37 (hg19) VCF-style: chr14-102484565-T-C.
Identifiers: ClinVar variation 679349 (VCV000679349.1), dbSNP rs7148324, ClinGen allele CA14037205.